The following is an entry in ClinVar:

ClinVar aggregate classification (germline): Uncertain significance (1 of 4 stars; one submission).

Submission:

Labcorp Genetics (formerly Invitae), Labcorp
Classification: Uncertain significance. Last evaluated: 2022-08-23. Review status: criteria provided, single submitter. Criteria: Invitae Variant Classification Sherloc (09022015). Collection method: clinical testing. Allele origin: germline.
Comment: Experimental studies and prediction algorithms are not available or were not evaluated, and the functional significance of this variant is currently unknown. In summary, the available evidence is currently insufficient to determine the role of this variant in disease. Therefore, it has been classified as a Variant of Uncertain Significance. ClinVar contains an entry for this variant (Variation ID: 998786). This variant has not been reported in the literature in individuals affected with ROM1-related conditions. This variant is present in population databases (no rsID available, gnomAD 0.007%). This sequence change creates a premature translational stop signal (p.Thr275Serfs*42) in the ROM1 gene. While this is not anticipated to result in nonsense mediated decay, it is expected to disrupt the last 77 amino acid(s) of the ROM1 protein.

NM_000327.4(ROM1):c.820_821dup (p.Thr275fs)

Gene: ROM1 (retinal outer segment membrane protein 1; plus strand). Cytogenetic location: 11q12.3.
Variant type: Duplication.
Coding change: c.820_821dup on transcript NM_000327.4 (MANE Select); coding-DNA positions 820 to 821, 2 bases duplicated (GT; older notation c.820_821dupGT).
Protein change: p.Thr275fs; shifts the reading frame from threonine 275.
Molecular consequence: frameshift variant.
Genome position (GRCh38, 1-based): chr11:62,614,487-62,614,488, GT duplicated; duplicating any 2 consecutive bases within chr11:62,614,486-62,614,488 gives the same sequence; the c. name uses the placement nearest the transcript's 3' end. VCF-style (leftmost placement, unchanged base first): chr11-62614485-C-CTG. GRCh37 (hg19) VCF-style: chr11-62381957-C-CTG.
Other names: short protein forms T275fs.
Identifiers: ClinVar variation 998786 (VCV000998786.6), dbSNP rs951055051, ClinGen allele CA223036314.